The following is an entry in ClinVar:

ClinVar aggregate classification (germline): Benign. Review status: criteria provided, multiple submitters, no conflicts (2 of 4 stars). 3 submissions from 3 submitters: Benign (3). Last evaluated 2021-06-15.

Conditions:
Pyruvate dehydrogenase E1-beta deficiency (PDHBD). Identifiers: Orphanet 255138, Orphanet 765, MedGen C3279841, MONDO:0013580, OMIM 614111.

Allele frequency attached by ClinVar (database versions not stated): gnomAD exomes 0.08345; ExAC 0.10523; 1000 Genomes Project 0.11921; 1000 Genomes Project 30x 0.12289; gnomAD 0.13052 and 0.13601; TOPMed 0.13827.
gnomAD v4.1: 105,957 of 1,213,464 alleles (8.7%); highest among the groups gnomAD compares: African/African-American, 28%; 6,423 homozygotes.

Submissions (3):

Pars Genome Lab
Classification: Benign for Pyruvate dehydrogenase E1-beta deficiency. Last evaluated: 2021-06-15. Review status: criteria provided, single submitter. Criteria: ACMG Guidelines, 2015. Collection method: clinical testing. Allele origin: germline. Affected: no.

GeneDx
Classification: Benign. Last evaluated: 2018-06-16. Review status: criteria provided, single submitter. Criteria: GeneDx Variant Classification (06012015). Collection method: clinical testing. Allele origin: germline. Affected: yes.
Comment: This variant is considered likely benign or benign based on one or more of the following criteria: it is a conservative change, it occurs at a poorly conserved position in the protein, it is predicted to be benign by multiple in silico algorithms, and/or has population frequency not consistent with disease.

Breakthrough Genomics
Classification: Benign. Review status: criteria provided, single submitter. Criteria: ACMG Guidelines, 2015. Collection method: not provided. Allele origin: germline. Inheritance: Autosomal recessive inheritance. Affected: yes.

NM_000925.4(PDHB):c.935-146G>C

Gene: PDHB (pyruvate dehydrogenase E1 subunit beta; minus strand). Cytogenetic location: 3p14.3.
Variant type: single nucleotide variant.
Coding change: c.935-146G>C on transcript NM_000925.4 (MANE Select); 146 bases into the intron before coding-DNA position 935, G replaced by C.
Molecular consequence: intron variant.
Genome position (GRCh38, 1-based): chr3:58,428,325, C>G on the plus strand (G>C on the coding strand, the complement: PDHB is on the minus strand). VCF-style: chr3-58428325-C-G. GRCh37 (hg19) VCF-style: chr3-58414052-C-G.
Other names: c.881-146G>C (NM_001315536.2, NM_001173468.2).
Identifiers: ClinVar variation 676167 (VCV000676167.4), dbSNP rs6445980, ClinGen allele CA2471403.